The following is an entry in ClinVar:

ClinVar aggregate classification (germline): Uncertain significance (0 of 4 stars; one submission).

Conditions:
GNAS-related disorder. Identifiers: MedGen CN380105.

gnomAD v4.1: 4 of 1,592,814 alleles (0.00025%); highest among the groups gnomAD compares: East Asian, 0.0092%; no homozygotes.

Submission:

PreventionGenetics, part of Exact Sciences
Classification: Uncertain significance for GNAS-related condition. Last evaluated: 2024-05-12. Review status: no assertion criteria provided. Collection method: clinical testing. Allele origin: germline.
Comment: The GNAS c.1784C>G variant is predicted to result in the amino acid substitution p.Pro595Arg. Of note, in the more commonly reported transcript (NM_000516.5) this variant is pre-coding (c.-36491C>G). To our knowledge, this variant has not been reported in the literature. This variant is reported in 0.031% of alleles in individuals of East Asian descent in gnomAD. At this time, the clinical significance of this variant is uncertain due to the absence of conclusive functional and genetic evidence.

NM_080425.4(GNAS):c.1971C>G (p.Ala657=)

Gene: GNAS (GNAS complex locus; plus strand). Cytogenetic location: 20q13.32.
Variant type: single nucleotide variant.
Coding change: c.1971C>G on transcript NM_080425.4 (MANE Plus Clinical); coding-DNA position 1971, C replaced by G.
Protein change: p.Ala657=; no amino-acid change (alanine 657 retained).
Molecular consequence: synonymous variant. On other transcripts: missense variant (2), intron variant (3).
Genome position (GRCh38, 1-based): chr20:58,855,236, C>G. VCF-style: chr20-58855236-C-G. GRCh37 (hg19) VCF-style: chr20-57430291-C-G.
Other names: c.1784C>G, p.Pro595Arg (NM_001077490.3, NM_001309883.1); c.1971C>G, p.Ala657= (NM_001410913.1); c.*42+14350C>G (NM_016592.5); c.43+14350C>G (NM_001410912.1); c.-39+13361C>G (NM_001309861.2); short protein forms P595R.
Identifiers: ClinVar variation 3355198 (VCV003355198.1).